The following is an entry in ClinVar:

ClinVar aggregate classification (germline): Likely benign. Review status: criteria provided, multiple submitters, no conflicts (2 of 4 stars). 4 submissions from 4 submitters: Likely benign (3). 1 of the submissions does not count toward it. Last evaluated 2026-06-01.

Conditions:
Chromosome 2q32-q33 deletion syndrome (GLASS). Also called: Glass syndrome; 2q33.1 deletion syndrome. Identifiers: Orphanet 251019, MedGen C2676739, MONDO:0012864, OMIM 612313.
SATB2-related disorder. Also called: SATB2-related condition.

Allele frequency attached by ClinVar (database versions not stated): ExAC 0.00003; gnomAD 0.00004; gnomAD exomes 0.00004; ESP Exome Variant Server 0.00008; TOPMed 0.00011.
gnomAD v4.1: 51 of 1,613,362 alleles (0.0032%); highest among the groups gnomAD compares: African/African-American, 0.023%; no homozygotes.

Submissions (4):

CeGaT Center for Human Genetics Tuebingen
Classification: Likely benign. Last evaluated: 2026-06-01. Review status: criteria provided, single submitter. Criteria: CeGaT Center For Human Genetics Tuebingen Variant Classification Criteria Version 2. Collection method: clinical testing. Allele origin: germline. Affected: yes. Observed: 1 variant allele.
Comment: SATB2: BP4

Labcorp Genetics (formerly Invitae), Labcorp
Classification: Likely benign for Chromosome 2q32-q33 deletion syndrome. Last evaluated: 2025-07-15. Review status: criteria provided, single submitter. Criteria: Invitae Variant Classification Sherloc (09022015). Collection method: clinical testing. Allele origin: germline.

GeneDx
Classification: Likely benign. Last evaluated: 2020-12-02. Review status: criteria provided, single submitter. Criteria: GeneDx Variant Classification Process June 2021. Collection method: clinical testing. Allele origin: germline. Affected: yes.

PreventionGenetics, part of Exact Sciences
Classification: Likely benign for SATB2-related condition. Last evaluated: 2019-02-18. Review status: no assertion criteria provided. Collection method: clinical testing. Allele origin: germline. Not counted in ClinVar's aggregate classification.
Comment: This variant is classified as likely benign based on ACMG/AMP sequence variant interpretation guidelines (Richards et al. 2015 PMID: 25741868, with internal and published modifications).

NM_001172509.2(SATB2):c.1467C>T (p.Asp489=)

Gene: SATB2 (SATB homeobox 2; minus strand). Cytogenetic location: 2q33.1.
Variant type: single nucleotide variant.
Coding change: c.1467C>T on transcript NM_001172509.2 (MANE Select); coding-DNA position 1467, C replaced by T.
Protein change: p.Asp489=; no amino-acid change (aspartic acid 489 retained).
Molecular consequence: synonymous variant.
Genome position (GRCh38, 1-based): chr2:199,323,878, G>A on the plus strand (C>T on the coding strand, the complement: SATB2 is on the minus strand). VCF-style: chr2-199323878-G-A. GRCh37 (hg19) VCF-style: chr2-200188601-G-A.
Other names: c.1467C>T, p.Asp489= (NM_001172517.1, NM_015265.4).
Identifiers: ClinVar variation 735762 (VCV000735762.17), dbSNP rs370291268, ClinGen allele CA2045875.